The following is an entry in ClinVar:

NM_014989.7(RIMS1):c.2902C>T (p.Arg968Cys)

Gene: RIMS1 (regulating synaptic membrane exocytosis 1; plus strand). Cytogenetic location: 6q13.
Variant type: single nucleotide variant.
Coding change: c.2902C>T on transcript NM_014989.7 (MANE Select); coding-DNA position 2902, C replaced by T.
Protein change: p.Arg968Cys; replaces arginine 968 with cysteine.
Molecular consequence: missense variant.
Genome position (GRCh38, 1-based): chr6:72,258,256, C>T. VCF-style: chr6-72258256-C-T. GRCh37 (hg19) VCF-style: chr6-72967959-C-T.
Other names: c.1324C>T, p.Arg442Cys (NM_001168408.2, NM_001350416.2, NM_001350417.2 and 15 more transcripts); c.1081C>T, p.Arg361Cys (NM_001168409.2, NM_001350464.2, NM_001350465.2 and 3 more transcripts); c.1321C>T, p.Arg441Cys (NM_001350415.2, NM_001350418.2, NM_001350419.2 and 19 more transcripts); c.1279C>T, p.Arg427Cys (NM_001168410.2, NM_001350470.2, NM_001350473.2 and 1 more transcripts); c.1252C>T, p.Arg418Cys (NM_001350421.2, NM_001350430.2, NM_001350437.2 and 2 more transcripts); c.1255C>T, p.Arg419Cys (NM_001350424.2, NM_001350428.2, NM_001350459.2 and 1 more transcripts); c.1078C>T, p.Arg360Cys (NM_001350461.2, NM_001350463.2, NM_001350468.2); c.1276C>T, p.Arg426Cys (NM_001350472.2); short protein forms R418C, R441C, R360C, R442C, R968C, R361C, R419C, R426C.
Identifiers: ClinVar variation 1429008 (VCV001429008.8), dbSNP rs750178485, ClinGen allele CA3886064.
Genomic context (GRCh38, chr6:72,258,256, plus strand): 5'-CATCACCGCTCACGTTCAGTATCTCCTCATCGCGGCAATGATCAGGGAAAGCCGCGTTCA[C>T]GTTTACCAAATGTGCCATTACAGAGGTAGGCTTTGAAATGGGCTCAGTGTCCCTGACAGT-3'
Protein context (NP_055804.2, residues 958-978): RGNDQGKPRS[Arg968Cys]LPNVPLQRSL

ClinVar aggregate classification (germline): Uncertain significance (1 of 4 stars; one submission).

Allele frequency attached by ClinVar (database versions not stated): ExAC 0.00001; gnomAD 0.00001; gnomAD exomes 0.00002; TOPMed 0.00002.
gnomAD v4.1: 25 of 1,613,230 alleles (0.0015%); highest among the groups gnomAD compares: Admixed American, 0.005%; no homozygotes.

Submission:

Labcorp Genetics (formerly Invitae), Labcorp
Classification: Uncertain significance. Last evaluated: 2024-02-05. Review status: criteria provided, single submitter. Criteria: Invitae Variant Classification Sherloc (09022015). Collection method: clinical testing. Allele origin: germline.
Comment: This sequence change replaces arginine, which is basic and polar, with cysteine, which is neutral and slightly polar, at codon 968 of the RIMS1 protein (p.Arg968Cys). This variant is present in population databases (rs750178485, gnomAD 0.01%). This variant has not been reported in the literature in individuals affected with RIMS1-related conditions. ClinVar contains an entry for this variant (Variation ID: 1429008). An algorithm developed to predict the effect of missense changes on protein structure and function (PolyPhen-2) suggests that this variant is likely to be disruptive. In summary, the available evidence is currently insufficient to determine the role of this variant in disease. Therefore, it has been classified as a Variant of Uncertain Significance.